The following is an entry in ClinVar:

ClinVar aggregate classification (germline): Uncertain significance (1 of 4 stars; one submission).

Submission:

Dasa
Classification: Uncertain significance. Last evaluated: 2025-06-23. Review status: criteria provided, single submitter. Criteria: DASA Assertion Criteria. Collection method: clinical testing. Allele origin: germline.
Comment: NM_002397.5(MEF2C):c.11A>C (p.Lys4Thr) is a missense variant that results in the substitution of lysine with threonine. This variant is absent from population databases. Computational prediction algorithms are consistent with a deleterious effect. The currently available literature and clinical evidence are not sufficient to establish a definitive association between this variant and the reported condition. Therefore, this variant is classified as a variant of uncertain significance.

NM_002397.5(MEF2C):c.11A>C (p.Lys4Thr)

Gene: MEF2C (myocyte enhancer factor 2C; minus strand). Cytogenetic location: 5q14.3.
Variant type: single nucleotide variant.
Coding change: c.11A>C on transcript NM_002397.5 (MANE Select); coding-DNA position 11, A replaced by C.
Protein change: p.Lys4Thr; replaces lysine 4 with threonine.
Molecular consequence: missense variant.
Genome position (GRCh38, 1-based): chr5:88,823,778, T>G on the plus strand (A>C on the coding strand, the complement: MEF2C is on the minus strand). VCF-style: chr5-88823778-T-G. GRCh37 (hg19) VCF-style: chr5-88119595-T-G.
Other names: c.11A>C, p.Lys4Thr (NM_001308002.3, NM_001363581.2, NM_001364329.2 and 29 more transcripts); short protein forms K4T.
Identifiers: ClinVar variation 4884911 (VCV004884911.2).